The following is an entry in ClinVar:

ClinVar aggregate classification (germline): Likely pathogenic (1 of 4 stars; one submission).

Conditions:
Compton-North congenital myopathy (CMYO12). Identifiers: Orphanet 210163, MedGen C2675527, MONDO:0012929, OMIM 612540.

Submission:

Labcorp Genetics (formerly Invitae), Labcorp
Classification: Likely pathogenic for Compton-North congenital myopathy. Last evaluated: 2024-10-02. Review status: criteria provided, single submitter. Criteria: Invitae Variant Classification Sherloc (09022015). Collection method: clinical testing. Allele origin: germline.
Comment: This sequence change affects an acceptor splice site in intron 21 of the CNTN1 gene. It is expected to disrupt RNA splicing. Variants that disrupt the donor or acceptor splice site typically lead to a loss of protein function (PMID: 16199547), and loss-of-function variants in CNTN1 are known to be pathogenic (PMID: 19026398, 22242131). This variant is not present in population databases (gnomAD no frequency). This variant has not been reported in the literature in individuals affected with CNTN1-related conditions. Algorithms developed to predict the effect of sequence changes on RNA splicing suggest that this variant may disrupt the consensus splice site. In summary, the currently available evidence indicates that the variant is pathogenic, but additional data are needed to prove that conclusively. Therefore, this variant has been classified as Likely Pathogenic.

Literature cited by the submitters: PubMed 16199547; PubMed 19026398; PubMed 22242131.

NM_001843.4(CNTN1):c.2711-1G>A

Gene: CNTN1 (contactin 1; plus strand). Cytogenetic location: 12q12.
Variant type: single nucleotide variant.
Coding change: c.2711-1G>A on transcript NM_001843.4 (MANE Select); the canonical splice acceptor site of the intron before coding-DNA position 2711, G replaced by A.
Molecular consequence: splice acceptor variant.
Genome position (GRCh38, 1-based): chr12:41,027,856, G>A. VCF-style: chr12-41027856-G-A. GRCh37 (hg19) VCF-style: chr12-41421658-G-A.
Other names: c.2678-1G>A (NM_175038.2).
Identifiers: ClinVar variation 3722051 (VCV003722051.2).
Genomic context (GRCh38, chr12:41,027,856, plus strand): 5'-GAGTATGCAGAATTGAGATTGGATATAGTGACCACTGATTGCATATTACTACTTTTCACA[G>A]CTCCTAGCCAGCCTCCAAGGATCATCAGTTCAGTAAGGTCTGGTTCACGCTATATAATCA-3'